The following is an entry in ClinVar:

NM_004646.4(NPHS1):c.2131C>T (p.Arg711Cys)

Gene: NPHS1 (NPHS1 adhesion molecule, nephrin; minus strand). Cytogenetic location: 19q13.12.
Variant type: single nucleotide variant.
Coding change: c.2131C>T on transcript NM_004646.4 (MANE Select); coding-DNA position 2131, C replaced by T.
Protein change: p.Arg711Cys; replaces arginine 711 with cysteine.
Molecular consequence: missense variant.
Genome position (GRCh38, 1-based): chr19:35,844,184, G>A on the plus strand (C>T on the coding strand, the complement: NPHS1 is on the minus strand). VCF-style: chr19-35844184-G-A. GRCh37 (hg19) VCF-style: chr19-36335086-G-A.
Other names: short protein forms R711C.
Identifiers: ClinVar variation 4815381 (VCV004815381.2).

ClinVar aggregate classification (germline): Likely pathogenic. Review status: criteria provided, multiple submitters, no conflicts (2 of 4 stars). 2 submissions from 2 submitters: Likely pathogenic (2). Last evaluated 2025-10-07.

Conditions:
Finnish congenital nephrotic syndrome (NPHS1). Also called: NEPHROTIC SYNDROME, TYPE 1. Identifiers: Orphanet 839, MedGen C0403399, MONDO:0009732, OMIM 256300.
NPHS1-related disorder. Also called: NPHS1-related condition.

gnomAD v4.1: 4 of 1,611,736 alleles (0.00025%); highest among the groups gnomAD compares: Non-Finnish European, 0.00034%; no homozygotes.

Submissions (2):

Natera, Inc.
Classification: Likely pathogenic for Finnish congenital nephrotic syndrome. Last evaluated: 2025-10-07. Review status: criteria provided, single submitter. Criteria: Natera Variant Classification Schema (03/2026). Collection method: clinical testing. Allele origin: germline.
Comment: The c.2131C>T variant in NPHS1 is a missense variant predicted to cause substitution of arginine to cysteine at amino acid 711. This variant is rare in the general population with a frequency below the threshold expected for the associated phenotype(s). This variant has been observed in one or more individuals affected with the associated recessive disease, as either homozygous or compound heterozygous with a second variant (PMID: 12495287). A different variant at the same position has been determined to be Pathogenic or Likely Pathogenic. Computational prediction algorithms indicate this variant is likely to affect gene or protein function. Given the available evidence, this variant is classified as Likely Pathogenic.

Blueprint Genetics
Classification: Likely pathogenic for NPHS1-related disorders. Last evaluated: 2024-04-11. Review status: criteria provided, single submitter. Criteria: ACMG Guidelines, 2015. Collection method: clinical testing. Allele origin: germline. Affected: yes. Observed: 1 variant allele.

Literature cited by the submitters: PubMed 12495287 (cited by Natera, Inc.).